The following is an entry in ClinVar:

ClinVar aggregate classification (germline): Pathogenic (1 of 4 stars; one submission).

Conditions:
Cardiovascular phenotype. Identifiers: MedGen CN230736.

Submission:

Ambry Genetics
Classification: Pathogenic for Cardiovascular phenotype. Last evaluated: 2021-08-27. Review status: criteria provided, single submitter. Criteria: Ambry Variant Classification Scheme 2023. Collection method: clinical testing. Allele origin: germline.
Comment: The c.700dupG variant, located in coding exon 6 of the ENG gene, results from a duplication of G at nucleotide position 700, causing a translational frameshift with a predicted alternate stop codon (p.V234Gfs*100). This mutation (referred to as c.0701insG, p.V234GfsX333) has been detected in an individual from a hereditary hemorrhagic telangiectasia cohort (Richards-Yutz J et al. Hum Genet, 2010 Jul;128:61-77). This variant is considered to be rare based on population cohorts in the Genome Aggregation Database (gnomAD). This alteration is expected to result in loss of function by premature protein truncation or nonsense-mediated mRNA decay. As such, this alteration is interpreted as a disease-causing mutation.

Literature cited by the submitters: PubMed 20414677.

NM_001114753.3(ENG):c.700dup (p.Val234fs)

Gene: ENG (endoglin; minus strand). Cytogenetic location: 9q34.11.
Variant type: Duplication.
Coding change: c.700dup on transcript NM_001114753.3 (MANE Select); coding-DNA position 700, one base duplicated (G; older notation c.700dupG).
Protein change: p.Val234fs; shifts the reading frame from valine 234.
Molecular consequence: frameshift variant.
Genome position (GRCh38, 1-based): chr9:127,825,347, C duplicated on the plus strand (G on the coding strand, the reverse complement: ENG is on the minus strand); the first of 2 consecutive C bases (chr9:127,825,347-127,825,348); duplicating either gives the same sequence. VCF-style (leftmost placement, unchanged base first): chr9-127825346-A-AC. GRCh37 (hg19) VCF-style: chr9-130587625-A-AC.
Other names: c.699dup, p.Val234Glyfs (NM_000118.4, NM_001406715.1); c.154dup, p.Val52fs (NM_001278138.2); short protein forms V52fs, V234fs.
Identifiers: ClinVar variation 1756675 (VCV001756675.2), dbSNP rs2539074422, ClinGen allele CA2580079673.